The following is an entry in ClinVar:

NM_001388492.1(HTT):c.1993C>T (p.Arg665Cys)

Gene: HTT (huntingtin; plus strand). Cytogenetic location: 4p16.3.
Variant type: single nucleotide variant.
Coding change: c.1993C>T on transcript NM_001388492.1 (MANE Select); coding-DNA position 1993, C replaced by T.
Protein change: p.Arg665Cys; replaces arginine 665 with cysteine.
Molecular consequence: missense variant.
Genome position (GRCh38, 1-based): chr4:3,131,292, C>T. VCF-style: chr4-3131292-C-T. GRCh37 (hg19) VCF-style: chr4-3133019-C-T.
Other names: c.1999C>T, p.Arg667Cys (NM_002111.8); short protein forms R667C, R665C.
Identifiers: ClinVar variation 1383868 (VCV001383868.6), dbSNP rs748665877, ClinGen allele CA2823706.

ClinVar aggregate classification (germline): Uncertain significance (1 of 4 stars; one submission).

Allele frequency attached by ClinVar (database versions not stated): gnomAD 0.00007; TOPMed 0.00009.
gnomAD v4.1: 45 of 1,610,652 alleles (0.0028%); highest among the groups gnomAD compares: African/African-American, 0.011%; no homozygotes.

Submission:

Labcorp Genetics (formerly Invitae), Labcorp
Classification: Uncertain significance. Last evaluated: 2022-03-19. Review status: criteria provided, single submitter. Criteria: Invitae Variant Classification Sherloc (09022015). Collection method: clinical testing. Allele origin: germline.
Comment: In summary, the available evidence is currently insufficient to determine the role of this variant in disease. Therefore, it has been classified as a Variant of Uncertain Significance. Experimental studies and prediction algorithms are not available or were not evaluated, and the functional significance of this variant is currently unknown. This sequence change replaces arginine, which is basic and polar, with cysteine, which is neutral and slightly polar, at codon 667 of the HTT protein (p.Arg667Cys). This variant is present in population databases (rs748665877, gnomAD 0.007%). This variant has not been reported in the literature in individuals affected with HTT-related conditions.